The following is an entry in ClinVar:

NM_006439.5(MAB21L2):c.218A>T (p.Glu73Val)

Genes: LRBA (LPS responsive beige-like anchor protein; minus strand), MAB21L2 (mab-21 like 2; plus strand). Cytogenetic location: 4q31.3.
Variant type: single nucleotide variant.
Coding change: c.218A>T on transcript NM_006439.5 (MANE Select); coding-DNA position 218, A replaced by T.
Protein change: p.Glu73Val; replaces glutamic acid 73 with valine.
Molecular consequence: missense variant. On other transcripts: intron variant (6).
Genome position (GRCh38, 1-based): chr4:150,583,247, A>T. VCF-style: chr4-150583247-A-T. GRCh37 (hg19) VCF-style: chr4-151504399-A-T.
Other names: c.6330+4801T>A (NM_001367550.1, NM_001199282.3, NM_001364905.1 and 1 more transcripts); c.6363+4801T>A (NM_006726.5, NM_001440430.1); short protein forms E73V.
Identifiers: ClinVar variation 3644201 (VCV003644201.2).

ClinVar aggregate classification (germline): Uncertain significance (1 of 4 stars; one submission).

Submission:

Labcorp Genetics (formerly Invitae), Labcorp
Classification: Uncertain significance. Last evaluated: 2026-01-05. Review status: criteria provided, single submitter. Criteria: Invitae Variant Classification Sherloc (09022015). Collection method: clinical testing. Allele origin: germline.
Comment: This sequence change replaces glutamic acid, which is acidic and polar, with valine, which is neutral and non-polar, at codon 73 of the MAB21L2 protein (p.Glu73Val). This variant is not present in population databases (gnomAD no frequency). This variant has not been reported in the literature in individuals affected with MAB21L2-related conditions. ClinVar contains an entry for this variant (Variation ID: 3644201). Invitae Evidence Modeling of protein sequence and biophysical properties (such as structural, functional, and spatial information, amino acid conservation, physicochemical variation, residue mobility, and thermodynamic stability) indicates that this missense variant is expected to disrupt MAB21L2 protein function with a positive predictive value of 80%. In summary, the available evidence is currently insufficient to determine the role of this variant in disease. Therefore, it has been classified as a Variant of Uncertain Significance.